The following is an entry in ClinVar:

NM_024721.5(ZFHX4):c.9323T>G (p.Leu3108Arg)

Gene: ZFHX4 (zinc finger homeobox 4; plus strand). Cytogenetic location: 8q21.13.
Variant type: single nucleotide variant.
Coding change: c.9323T>G on transcript NM_024721.5 (MANE Select); coding-DNA position 9323, T replaced by G.
Protein change: p.Leu3108Arg; replaces leucine 3108 with arginine.
Molecular consequence: missense variant.
Genome position (GRCh38, 1-based): chr8:76,856,244, T>G. VCF-style: chr8-76856244-T-G. GRCh37 (hg19) VCF-style: chr8-77768480-T-G.
Other names: c.9245T>G, p.Leu3082Arg (NM_001410934.1); short protein forms L3082R, L3108R.
Identifiers: ClinVar variation 3900311 (VCV003900311.1).

ClinVar aggregate classification (germline): Uncertain significance (1 of 4 stars; one submission).

Submission:

GeneDx
Classification: Uncertain significance. Last evaluated: 2023-12-07. Review status: criteria provided, single submitter. Criteria: GeneDx Variant Classification Process June 2021. Collection method: clinical testing. Allele origin: germline. Affected: yes.
Comment: Not observed at significant frequency in large population cohorts (gnomAD); In silico analysis supports that this missense variant has a deleterious effect on protein structure/function; Has not been previously published as pathogenic or benign to our knowledge; Variants in candidate genes are classified as variants of uncertain significance in accordance with ACMG guidelines (PMID: 25741868)